The following is an entry in ClinVar:

ClinVar aggregate classification (germline): Likely benign (1 of 4 stars; one submission).

Submission:

CeGaT Center for Human Genetics Tuebingen
Classification: Likely benign. Last evaluated: 2025-11-01. Review status: criteria provided, single submitter. Criteria: CeGaT Center For Human Genetics Tuebingen Variant Classification Criteria Version 2. Collection method: clinical testing. Allele origin: germline. Affected: yes. Observed: 1 variant allele.
Comment: TPSB2: PM2:Supporting, BP4, BP7

NM_024164.6(TPSB2):c.84A>G (p.Arg28=)

Gene: TPSB2 (tryptase beta 2; minus strand). Cytogenetic location: 16p13.3.
Variant type: single nucleotide variant.
Coding change: c.84A>G on transcript NM_024164.6 (MANE Select); coding-DNA position 84, A replaced by G.
Protein change: p.Arg28=; no amino-acid change (arginine 28 retained).
Molecular consequence: synonymous variant.
Genome position (GRCh38, 1-based): chr16:1,229,715, T>C on the plus strand (A>G on the coding strand, the complement: TPSB2 is on the minus strand). VCF-style: chr16-1229715-T-C. GRCh37 (hg19) VCF-style: chr16-1279716-T-C.
Identifiers: ClinVar variation 4534089 (VCV004534089.6).